The following is an entry in ClinVar:

ClinVar aggregate classification (germline): Uncertain significance (1 of 4 stars; one submission).

Conditions:
Familial temporal lobe epilepsy 7. Identifiers: Orphanet 101046, MedGen C4225327, MONDO:0014639, OMIM 616436.
Norman-Roberts syndrome (LIS2). Also called: Lissencephaly 2 (Norman-Roberts type). Identifiers: Orphanet 89844, MedGen C0796089, MONDO:0009760, OMIM 257320.

Allele frequency attached by ClinVar (database versions not stated): gnomAD exomes below 0.00001.
gnomAD v4.1: 1 of 1,613,934 alleles (0.000062%); no homozygotes.

Submission:

Labcorp Genetics (formerly Invitae), Labcorp
Classification: Uncertain significance for Familial temporal lobe epilepsy 7; Norman-Roberts syndrome. Last evaluated: 2019-06-29. Review status: criteria provided, single submitter. Criteria: Invitae Variant Classification Sherloc (09022015). Collection method: clinical testing. Allele origin: germline.
Comment: This sequence change falls in intron 39 of the RELN gene. It does not directly change the encoded amino acid sequence of the RELN protein, but it affects a nucleotide within the consensus splice site of the intron. This variant is not present in population databases (ExAC no frequency). This variant has not been reported in the literature in individuals with RELN-related conditions. Nucleotide substitutions within the consensus splice site are a relatively common cause of aberrant splicing (PMID: 17576681, 9536098). Algorithms developed to predict the effect of sequence changes on RNA splicing suggest that this variant is not likely to affect RNA splicing, but this prediction has not been confirmed by published transcriptional studies. In summary, the available evidence is currently insufficient to determine the role of this variant in disease. Therefore, it has been classified as a Variant of Uncertain Significance.

Literature cited by the submitters: PubMed 17576681; PubMed 9536098.

NM_005045.4(RELN):c.5969+3A>G

Gene: RELN (reelin; minus strand). Cytogenetic location: 7q22.1.
Variant type: single nucleotide variant.
Coding change: c.5969+3A>G on transcript NM_005045.4 (MANE Select); 3 bases into the intron after coding-DNA position 5969, A replaced by G.
Molecular consequence: intron variant.
Genome position (GRCh38, 1-based): chr7:103,553,657, T>C on the plus strand (A>G on the coding strand, the complement: RELN is on the minus strand). VCF-style: chr7-103553657-T-C. GRCh37 (hg19) VCF-style: chr7-103194104-T-C.
Other names: c.5969+3A>G (NM_173054.3).
Identifiers: ClinVar variation 935637 (VCV000935637.3), dbSNP rs1290900424, ClinGen allele CA577196962.